The following is an entry in ClinVar:

ClinVar aggregate classification (germline): Uncertain significance (1 of 4 stars; one submission).

Conditions:
Inborn genetic diseases. Identifiers: MedGen C0950123, MeSH D030342.

Submission:

Ambry Genetics
Classification: Uncertain significance for Inborn genetic diseases. Last evaluated: 2023-09-18. Review status: criteria provided, single submitter. Criteria: Ambry Variant Classification Scheme 2023. Collection method: clinical testing. Allele origin: germline.
Comment: The p.C1082G variant (also known as c.3244T>G), located in coding exon 24 of the LRRK2 gene, results from a T to G substitution at nucleotide position 3244. The cysteine at codon 1082 is replaced by glycine, an amino acid with highly dissimilar properties. This amino acid position is conserved. In addition, the in silico prediction for this alteration is inconclusive. Since supporting evidence is limited at this time, the clinical significance of this alteration remains unclear.

NM_198578.4(LRRK2):c.3244T>G (p.Cys1082Gly)

Gene: LRRK2 (leucine rich repeat kinase 2; plus strand). Cytogenetic location: 12q12.
Variant type: single nucleotide variant.
Coding change: c.3244T>G on transcript NM_198578.4 (MANE Select); coding-DNA position 3244, T replaced by G.
Protein change: p.Cys1082Gly; replaces cysteine 1082 with glycine.
Molecular consequence: missense variant.
Genome position (GRCh38, 1-based): chr12:40,298,390, T>G. VCF-style: chr12-40298390-T-G. GRCh37 (hg19) VCF-style: chr12-40692192-T-G.
Other names: short protein forms C1082G.
Identifiers: ClinVar variation 3229602 (VCV003229602.1), dbSNP rs1194977332, ClinGen allele CA384414778.
Genomic context (GRCh38, chr12:40,298,390, plus strand): 5'-AATCTTGATGTCTCTCGAAATGACATTGGACCCTCAGTGGTTTTAGATCCTACAGTGAAA[T>G]GTCCAACTCTGAAACAGTTTAACCTGTCATATAACCAGCTGTCTTTTGTACCTGAGAACC-3'
Protein context (NP_940980.4, residues 1072-1092): PSVVLDPTVK[Cys1082Gly]PTLKQFNLSY